The following is an entry in ClinVar:

ClinVar aggregate classification (germline): Benign/Likely benign. Review status: criteria provided, multiple submitters, no conflicts (2 of 4 stars). 13 submissions from 13 submitters: Benign (10); Likely benign (2). 1 of the submissions does not count toward it. Last evaluated 2026-07-01.

Conditions:
Hypertrophic cardiomyopathy. Also called: HYPERTROPHIC MYOCARDIOPATHY. Identifiers: Orphanet 217569, MedGen C0007194, MeSH D002312, MONDO:0005045, HP:0001639.
Cardiomyopathy (CMYO). Also called: Cardiomyopathies. Identifiers: Orphanet 167848, MedGen C0878544, MONDO:0004994, HP:0001638. Inheritance: Various modes of inheritance.
Atrial fibrillation. Identifiers: MedGen C0004238, MONDO:0004981, HP:0005110.
Heart failure. Identifiers: MedGen C0018801, MONDO:0005252.
Cardiovascular phenotype. Identifiers: MedGen CN230736.
Long QT syndrome (LQTS). Identifiers: MedGen C0023976, MeSH D008133, MONDO:0002442. Disease mechanism: loss of function. Inheritance: Various modes of inheritance.
Long QT syndrome 11 (LQT11). Identifiers: Orphanet 101016, Orphanet 768, MedGen C2678483, MONDO:0012738, OMIM 611820.

Allele frequency attached by ClinVar (database versions not stated): 1000 Genomes Project 0.00220; 1000 Genomes Project 30x 0.00281; TOPMed 0.00702; gnomAD 0.00755 and 0.00775; gnomAD exomes 0.00804 and 0.01125; ExAC 0.00814; ESP Exome Variant Server 0.00969.

Submissions (13):

CeGaT Center for Human Genetics Tuebingen
Classification: Benign. Last evaluated: 2026-07-01. Review status: criteria provided, single submitter. Criteria: CeGaT Center For Human Genetics Tuebingen Variant Classification Criteria Version 2. Collection method: clinical testing. Allele origin: germline. Affected: yes. Observed: 18 variant alleles.
Comment: AKAP9: BP4, BS1, BS2

Labcorp Genetics (formerly Invitae), Labcorp
Classification: Benign for Long QT syndrome. Last evaluated: 2026-02-04. Review status: criteria provided, single submitter. Criteria: Invitae Variant Classification Sherloc (09022015). Collection method: clinical testing. Allele origin: germline.

Blueprint Genetics
Classification: Likely benign. Last evaluated: 2024-11-26. Review status: criteria provided, single submitter. Criteria: ACMG Guidelines, 2015. Collection method: clinical testing. Allele origin: germline.

Genome-Nilou Lab
Classification: Benign for Long QT syndrome 11. Last evaluated: 2021-12-05. Review status: criteria provided, single submitter. Criteria: ACMG Guidelines, 2015. Collection method: clinical testing. Allele origin: germline. Affected: no.

Women's Health and Genetics/Laboratory Corporation of America, LabCorp
Classification: Benign. Last evaluated: 2020-11-23. Review status: criteria provided, single submitter. Criteria: LabCorp Variant Classification Summary - May 2015. Collection method: clinical testing. Allele origin: germline.
Comment: Variant summary: AKAP9 c.139C>T (p.His47Tyr) results in a conservative amino acid change in the encoded protein sequence. Four of four in-silico tools predict a benign effect of the variant on protein function. The variant allele was found at a frequency of 0.008 in 251216 control chromosomes in the gnomAD database, including 12 homozygotes. The observed variant frequency is approximately 2413 fold of the estimated maximal expected allele frequency for a pathogenic variant in AKAP9 causing Long QT Syndrome phenotype (3.3e-06), strongly suggesting that the variant is benign. Six clinical diagnostic laboratories have submitted clinical-significance assessments for this variant to ClinVar after 2014 without evidence for independent evaluation. All laboratories classified the variant as benign/likely benign. Based on the evidence outlined above, the variant was classified as benign.

Center for Advanced Laboratory Medicine, UC San Diego Health, University of California San Diego
Classification: Benign for Cardiomyopathy; Atrial fibrillation; Hypertrophic cardiomyopathy; Heart failure. Last evaluated: 2019-05-21. Review status: criteria provided, single submitter. Criteria: ACMG Guidelines, 2015. Collection method: clinical testing. Allele origin: germline. Affected: yes. Observed: 4 variant alleles.

ARUP Laboratories, Molecular Genetics and Genomics, ARUP Laboratories
Classification: Benign for Long QT syndrome 11. Last evaluated: 2019-03-28. Review status: criteria provided, single submitter. Criteria: ARUP Molecular Germline Variant Investigation Process. Collection method: clinical testing. Allele origin: germline.

Genome Diagnostics Laboratory, University Medical Center Utrecht
Classification: Benign for Long QT syndrome 11. Last evaluated: 2016-05-11. Review status: criteria provided, single submitter. Criteria: ACGS Guidelines, 2013. Collection method: clinical testing. Allele origin: germline. Affected: yes. Study: VKGL Data-share Consensus.

Ambry Genetics
Classification: Benign for Cardiovascular phenotype. Last evaluated: 2015-06-29. Review status: criteria provided, single submitter. Criteria: Ambry Variant Classification Scheme 2023. Collection method: clinical testing. Allele origin: germline.

GeneDx
Classification: Benign. Last evaluated: 2015-03-03. Review status: criteria provided, single submitter. Criteria: GeneDx Variant Classification Process June 2021. Collection method: clinical testing. Allele origin: germline. Affected: yes.

Biesecker Lab/Clinical Genomics Section, National Institutes of Health
Classification: Benign. Last evaluated: 2013-06-24. Review status: criteria provided, single submitter. Criteria: Ng et al. (Circ Cardiovasc Genet. 2013). Collection method: research. Allele origin: unknown. Observed: 14 variant alleles. Study: ClinSeq.
Comment: The study set was not selected for affection status in relation to any cancer. Pathogenicity categories were based on literature curation. See Pubmed ID:23861362 for details.

Medical sequencing

Breakthrough Genomics
Classification: Likely benign. Review status: criteria provided, single submitter. Criteria: ACMG Guidelines, 2015. Collection method: not provided. Allele origin: germline. Inheritance: Autosomal dominant inheritance. Affected: yes.

Clinical Genetics, Academic Medical Center
Classification: Benign. Review status: no assertion criteria provided. Collection method: clinical testing. Allele origin: germline. Affected: yes. Study: VKGL Data-share Consensus. Not counted in ClinVar's aggregate classification.

NM_005751.5(AKAP9):c.139C>T (p.His47Tyr)

Gene: AKAP9 (A-kinase anchoring protein 9; plus strand). Cytogenetic location: 7q21.2.
Variant type: single nucleotide variant.
Coding change: c.139C>T on transcript NM_005751.5 (MANE Select); coding-DNA position 139, C replaced by T.
Protein change: p.His47Tyr; replaces histidine 47 with tyrosine.
Molecular consequence: missense variant.
Genome position (GRCh38, 1-based): chr7:91,973,801, C>T. VCF-style: chr7-91973801-C-T. GRCh37 (hg19) VCF-style: chr7-91603115-C-T.
Other names: c.139C>T, p.His47Tyr (NM_147185.3); short protein forms H47Y.
Identifiers: ClinVar variation 191549 (VCV000191549.56), dbSNP rs35669569, ClinGen allele CA199843.
Genomic context (GRCh38, chr7:91,973,801, plus strand): 5'-TCGGATGGGCAGAGTCCTTCCAAGAAGCAGAAAAAAAAGAGAAAAACGTCAAGCAGTAAA[C>T]ATGATGTGTCAGCACACCATGATTTGAATATTGATCAATCACAGTGTAATGAAATGTACA-3'
Protein context (NP_005742.4, residues 37-57): KKKRKTSSSK[His47Tyr]DVSAHHDLNI